The following is an entry in ClinVar:

ClinVar aggregate classification (germline): Conflicting classifications of pathogenicity. Review status: criteria provided, conflicting classifications (1 of 4 stars). 5 submissions from 5 submitters: Uncertain significance (1); Benign (1); Likely benign (3). Last evaluated 2026-01-22.

Conditions:
Cone-rod dystrophy 5 (CORD5). Identifiers: Orphanet 1872, MedGen C1832976, MONDO:0010969, OMIM 600977.

Allele frequency attached by ClinVar (database versions not stated): gnomAD 0.00007 and 0.00017; TOPMed 0.00007; ESP Exome Variant Server 0.00008; gnomAD exomes 0.00020 and 0.00038; ExAC 0.00041; 1000 Genomes Project 30x 0.00062; 1000 Genomes Project 0.00080.
gnomAD v4.1: 333 of 1,607,334 alleles (0.021%); highest among the groups gnomAD compares: Middle Eastern, 0.26%; 1 homozygote.

Submissions (5):

Labcorp Genetics (formerly Invitae), Labcorp
Classification: Likely benign. Last evaluated: 2026-01-22. Review status: criteria provided, single submitter. Criteria: Invitae Variant Classification Sherloc (09022015). Collection method: clinical testing. Allele origin: germline.

Blueprint Genetics
Classification: Likely benign. Last evaluated: 2024-09-26. Review status: criteria provided, single submitter. Criteria: ACMG Guidelines, 2015. Collection method: clinical testing. Allele origin: germline.

Genetics and Molecular Pathology, SA Pathology
Classification: Uncertain significance for Cone-rod dystrophy 5. Last evaluated: 2020-07-24. Review status: criteria provided, single submitter. Criteria: ACMG Guidelines, 2015. Collection method: clinical testing. Allele origin: germline. Affected: yes.

Illumina Laboratory Services, Illumina
Classification: Benign for Cone-rod dystrophy 5. Last evaluated: 2018-01-12. Review status: criteria provided, single submitter. Criteria: ICSL Variant Classification Criteria 13 December 2019. Collection method: clinical testing. Allele origin: germline.
Comment: This variant was observed in the ICSL laboratory as part of a predisposition screen in an ostensibly healthy population. It had not been previously curated by ICSL or reported in the Human Gene Mutation Database (HGMD: prior to June 1st, 2018), and was therefore a candidate for classification through an automated scoring system. Utilizing variant allele frequency, disease prevalence and penetrance estimates, and inheritance mode, an automated score was calculated to assess if this variant is too frequent to cause the disease. Based on the score and internal cut-off values, a variant classified as benign is not then subjected to further curation. The score for this variant resulted in a classification of benign for this disease.

Breakthrough Genomics
Classification: Likely benign. Review status: criteria provided, single submitter. Criteria: ACMG Guidelines, 2015. Collection method: not provided. Allele origin: germline. Inheritance: Autosomal dominant inheritance. Affected: yes.

NM_031220.4(PITPNM3):c.287G>A (p.Arg96Gln)

Gene: PITPNM3 (PITPNM family member 3; minus strand). Cytogenetic location: 17p13.2.
Variant type: single nucleotide variant.
Coding change: c.287G>A on transcript NM_031220.4 (MANE Select); coding-DNA position 287, G replaced by A.
Protein change: p.Arg96Gln; replaces arginine 96 with glutamine.
Molecular consequence: missense variant.
Genome position (GRCh38, 1-based): chr17:6,484,280, C>T on the plus strand (G>A on the coding strand, the complement: PITPNM3 is on the minus strand). VCF-style: chr17-6484280-C-T. GRCh37 (hg19) VCF-style: chr17-6387600-C-T.
Other names: c.179G>A, p.Arg60Gln (NM_001165966.2); short protein forms R96Q, R60Q.
Identifiers: ClinVar variation 839720 (VCV000839720.17), dbSNP rs199749069, ClinGen allele CA8329874.